The following is an entry in ClinVar:

ClinVar aggregate classification (germline): Uncertain significance. Review status: criteria provided, multiple submitters, no conflicts (2 of 4 stars). 2 submissions from 2 submitters: Uncertain significance (2). Last evaluated 2021-10-23.

Allele frequency attached by ClinVar (database versions not stated): gnomAD exomes 0.00001; TOPMed 0.00001.
gnomAD v4.1: 2 of 1,614,084 alleles (0.00012%); highest among the groups gnomAD compares: Admixed American, 0.0033%; no homozygotes.

Submissions (2):

Labcorp Genetics (formerly Invitae), Labcorp
Classification: Uncertain significance. Last evaluated: 2021-10-23. Review status: criteria provided, single submitter. Criteria: Invitae Variant Classification Sherloc (09022015). Collection method: clinical testing. Allele origin: germline.
Comment: This sequence change replaces threonine, which is neutral and polar, with isoleucine, which is neutral and non-polar, at codon 528 of the CDH3 protein (p.Thr528Ile). This variant is present in population databases (no rsID available, gnomAD 0.003%). This variant has not been reported in the literature in individuals affected with CDH3-related conditions. Algorithms developed to predict the effect of missense changes on protein structure and function output the following: SIFT: "Not Available"; PolyPhen-2: "Benign"; Align-GVGD: "Not Available". The isoleucine amino acid residue is found in multiple mammalian species, which suggests that this missense change does not adversely affect protein function. In summary, the available evidence is currently insufficient to determine the role of this variant in disease. Therefore, it has been classified as a Variant of Uncertain Significance.

GeneDx
Classification: Uncertain significance. Last evaluated: 2019-03-20. Review status: criteria provided, single submitter. Criteria: GeneDx Variant Classification Process June 2021. Collection method: clinical testing. Allele origin: germline. Affected: yes.
Comment: Not observed at a significant frequency in large population cohorts (Lek et al., 2016); In silico analysis, which includes protein predictors and evolutionary conservation, supports that this variant does not alter protein structure/function; Has not been previously published as pathogenic or benign to our knowledge

NM_001793.6(CDH3):c.1583C>T (p.Thr528Ile)

Gene: CDH3 (cadherin 3; plus strand). Cytogenetic location: 16q22.1.
Variant type: single nucleotide variant.
Coding change: c.1583C>T on transcript NM_001793.6 (MANE Select); coding-DNA position 1583, C replaced by T.
Protein change: p.Thr528Ile; replaces threonine 528 with isoleucine.
Molecular consequence: missense variant.
Genome position (GRCh38, 1-based): chr16:68,687,524, C>T. VCF-style: chr16-68687524-C-T. GRCh37 (hg19) VCF-style: chr16-68721427-C-T.
Other names: c.1583C>T, p.Thr528Ile (NM_001317195.3); c.1418C>T, p.Thr473Ile (NM_001317196.2); short protein forms T473I, T528I.
Identifiers: ClinVar variation 1308060 (VCV001308060.4), dbSNP rs1349184649, ClinGen allele CA396454603.